The following is an entry in ClinVar:

ClinVar aggregate classification (germline): Uncertain significance (1 of 4 stars; one submission).

Conditions:
Congenital contractural arachnodactyly (CCA). Also called: BEALS SYNDROME; Beals-Hecht syndrome; Arthrogryposis, distal, type 9. Identifiers: Orphanet 115, MedGen C0220668, MONDO:0007363, OMIM 121050.

Allele frequency attached by ClinVar (database versions not stated): gnomAD 0.00001.

Submission:

Labcorp Genetics (formerly Invitae), Labcorp
Classification: Uncertain significance for Congenital contractural arachnodactyly. Last evaluated: 2019-12-09. Review status: criteria provided, single submitter. Criteria: Invitae Variant Classification Sherloc (09022015). Collection method: clinical testing. Allele origin: germline.
Comment: This sequence change replaces isoleucine with methionine at codon 2281 of the FBN2 protein (p.Ile2281Met). The isoleucine residue is moderately conserved and there is a small physicochemical difference between isoleucine and methionine. This variant is present in population databases (rs770011418, ExAC 0.02%). This variant has not been reported in the literature in individuals with FBN2-related conditions. Algorithms developed to predict the effect of missense changes on protein structure and function are either unavailable or do not agree on the potential impact of this missense change (SIFT: "Deleterious"; PolyPhen-2: "Benign"; Align-GVGD: "Class C0"). In summary, the available evidence is currently insufficient to determine the role of this variant in disease. Therefore, it has been classified as a Variant of Uncertain Significance.

NM_001999.4(FBN2):c.6843T>G (p.Ile2281Met)

Gene: FBN2 (fibrillin 2; minus strand). Cytogenetic location: 5q23.3.
Variant type: single nucleotide variant.
Coding change: c.6843T>G on transcript NM_001999.4 (MANE Select); coding-DNA position 6843, T replaced by G.
Protein change: p.Ile2281Met; replaces isoleucine 2281 with methionine.
Molecular consequence: missense variant.
Genome position (GRCh38, 1-based): chr5:128,287,345, A>C on the plus strand (T>G on the coding strand, the complement: FBN2 is on the minus strand). VCF-style: chr5-128287345-A-C. GRCh37 (hg19) VCF-style: chr5-127623037-A-C.
Other names: short protein forms I2281M.
Identifiers: ClinVar variation 835506 (VCV000835506.1), dbSNP rs770011418, ClinGen allele CA3394299.